The following is an entry in ClinVar:

NM_014251.3(SLC25A13):c.69+5G>C

Gene: SLC25A13 (solute carrier family 25 member 13; minus strand). Cytogenetic location: 7q21.3.
Variant type: single nucleotide variant.
Coding change: c.69+5G>C on transcript NM_014251.3 (MANE Select); 5 bases into the intron after coding-DNA position 69, G replaced by C.
Molecular consequence: intron variant.
Genome position (GRCh38, 1-based): chr7:96,296,893, C>G on the plus strand (G>C on the coding strand, the complement: SLC25A13 is on the minus strand). VCF-style: chr7-96296893-C-G. GRCh37 (hg19) VCF-style: chr7-95926205-C-G.
Other names: c.69+5G>C (NM_001160210.2).
Identifiers: ClinVar variation 1970250 (VCV001970250.3), dbSNP rs1319034578, ClinGen allele CA576588163.

ClinVar aggregate classification (germline): Uncertain significance. Review status: criteria provided, multiple submitters, no conflicts (2 of 4 stars). 2 submissions from 2 submitters: Uncertain significance (2). Last evaluated 2026-06-21.

Conditions:
Citrin deficiency. Identifiers: Orphanet 247582, MedGen C1997910, MONDO:0016602.

Allele frequency attached by ClinVar (database versions not stated): gnomAD exomes 0.00001; TOPMed 0.00001.
gnomAD v4.1: 3 of 1,611,928 alleles (0.00019%); highest among the groups gnomAD compares: Admixed American, 0.005%; no homozygotes.

Submissions (2):

Women's Health and Genetics/Laboratory Corporation of America, LabCorp
Classification: Uncertain significance. Last evaluated: 2026-06-21. Review status: criteria provided, single submitter. Criteria: LabCorp Variant Classification Summary - May 2015. Collection method: clinical testing. Allele origin: germline.

Labcorp Genetics (formerly Invitae), Labcorp
Classification: Uncertain significance for Citrin deficiency. Last evaluated: 2022-03-18. Review status: criteria provided, single submitter. Criteria: Invitae Variant Classification Sherloc (09022015). Collection method: clinical testing. Allele origin: germline.
Comment: This sequence change falls in intron 2 of the SLC25A13 gene. It does not directly change the encoded amino acid sequence of the SLC25A13 protein. It affects a nucleotide within the consensus splice site. This variant is present in population databases (no rsID available, gnomAD 0.009%). This variant has not been reported in the literature in individuals affected with SLC25A13-related conditions. Variants that disrupt the consensus splice site are a relatively common cause of aberrant splicing (PMID: 17576681, 9536098). Algorithms developed to predict the effect of sequence changes on RNA splicing suggest that this variant may disrupt the consensus splice site. This variant disrupts the c.69+5G nucleotide in the SLC25A13 gene. Other variant(s) that disrupt this nucleotide have been determined to be pathogenic (PMID: 33497767). This suggests that this nucleotide is clinically significant, and that variants that disrupt this position are likely to be disease-causing. In summary, the available evidence is currently insufficient to determine the role of this variant in disease. Therefore, it has been classified as a Variant of Uncertain Significance.

Literature cited by the submitters: PubMed 17576681 (cited by Labcorp Genetics (formerly Invitae), Labcorp); PubMed 9536098 (cited by Labcorp Genetics (formerly Invitae), Labcorp); PubMed 33497767 (cited by Labcorp Genetics (formerly Invitae), Labcorp).